The following is an entry in ClinVar:

NM_002734.5(PRKAR1A):c.6G>C (p.Glu2Asp)

Gene: PRKAR1A (protein kinase cAMP-dependent type I regulatory subunit alpha; plus strand). Cytogenetic location: 17q24.2.
Variant type: single nucleotide variant.
Coding change: c.6G>C on transcript NM_002734.5 (MANE Select); coding-DNA position 6, G replaced by C.
Protein change: p.Glu2Asp; replaces glutamic acid 2 with aspartic acid.
Molecular consequence: missense variant.
Genome position (GRCh38, 1-based): chr17:68,515,405, G>C. VCF-style: chr17-68515405-G-C. GRCh37 (hg19) VCF-style: chr17-66511546-G-C.
Other names: c.6G>C, p.Glu2Asp (NM_001276289.2, NM_001276290.1, NM_001278433.2 and 4 more transcripts); short protein forms E2D.
Identifiers: ClinVar variation 5027292 (VCV005027292.1).
Genomic context (GRCh38, chr17:68,515,405, plus strand): 5'-CATTTTGCTTTATAGTTTATACAAGCATGTGTGTGTTTTTTTCTCGCAGAGAACCATGGA[G>C]TCTGGCAGTACCGCCGCCAGTGAGGAGGCACGCAGCCTTCGAGAATGTGAGCTCTACGTC-3'
Protein context (NP_002725.1, residues 1-12): M[Glu2Asp]SGSTAASEEA

ClinVar aggregate classification (germline): Uncertain significance (1 of 4 stars; one submission).

Conditions:
Hereditary cancer-predisposing syndrome. Also called: Neoplastic Syndromes, Hereditary; Tumor predisposition; Hereditary neoplastic syndrome; Hereditary Cancer Syndrome. Identifiers: Orphanet 140162, MedGen C0027672, MeSH D009386, MONDO:0015356.

Submission:

Ambry Genetics
Classification: Uncertain significance for Hereditary cancer-predisposing syndrome. Last evaluated: 2026-06-22. Review status: criteria provided, single submitter. Criteria: Ambry Variant Classification Scheme 2023. Collection method: clinical testing. Allele origin: germline.
Comment: The p.E2D variant (also known as c.6G>C), located in coding exon 1 of the PRKAR1A gene, results from a G to C substitution at nucleotide position 6. The glutamic acid at codon 2 is replaced by aspartic acid, an amino acid with highly similar properties. This amino acid position is poorly conserved in available vertebrate species. In addition, this alteration is predicted to be tolerated by in silico analysis. Based on the available evidence, the clinical significance of this variant remains unclear.